The following is an entry in ClinVar:

ClinVar aggregate classification (germline): Uncertain significance (1 of 4 stars; one submission).

Conditions:
Hereditary cancer-predisposing syndrome. Also called: Neoplastic Syndromes, Hereditary; Tumor predisposition; Hereditary Cancer Syndrome; Hereditary neoplastic syndrome. Identifiers: Orphanet 140162, MedGen C0027672, MeSH D009386, MONDO:0015356.

Submission:

Ambry Genetics
Classification: Uncertain significance for Hereditary cancer-predisposing syndrome. Last evaluated: 2026-05-14. Review status: criteria provided, single submitter. Criteria: Ambry Variant Classification Scheme 2023. Collection method: clinical testing. Allele origin: germline.
Comment: The p.K43E variant (also known as c.127A>G), located in coding exon 2 of the MITF gene, results from an A to G substitution at nucleotide position 127. The lysine at codon 43 is replaced by glutamic acid, an amino acid with similar properties. This amino acid position is conserved. In addition, this alteration is predicted to be deleterious by in silico analysis. Based on the available evidence, the clinical significance of this variant remains unclear.

NM_001354604.2(MITF):c.448A>G (p.Lys150Glu)

Gene: MITF (melanocyte inducing transcription factor; plus strand). Cytogenetic location: 3p13.
Variant type: single nucleotide variant.
Coding change: c.448A>G on transcript NM_001354604.2 (MANE Select); coding-DNA position 448, A replaced by G.
Protein change: p.Lys150Glu; replaces lysine 150 with glutamic acid.
Molecular consequence: missense variant. On other transcripts: intron variant (1).
Genome position (GRCh38, 1-based): chr3:69,937,915, A>G. VCF-style: chr3-69937915-A-G. GRCh37 (hg19) VCF-style: chr3-69987066-A-G.
Other names: c.127A>G, p.Lys43Glu (NM_000248.4, NM_001184968.2, NM_198158.3); c.292A>G, p.Lys98Glu (NM_001184967.2, NM_001354608.2); c.445A>G, p.Lys149Glu (NM_001354605.2, NM_001354606.2, NM_006722.3); c.397A>G, p.Lys133Glu (NM_001354607.2); c.448A>G, p.Lys150Glu (NM_198159.3); c.400A>G, p.Lys134Glu (NM_198177.3); c.93+34A>G (NM_198178.3); short protein forms K133E, K134E, K149E, K150E, K43E, K98E.
Identifiers: ClinVar variation 4860069 (VCV004860069.1).